The following is an entry in ClinVar:

NM_212552.3(BOLA3):c.258+9A>C

Gene: BOLA3 (bolA family member 3; minus strand). Cytogenetic location: 2p13.1.
Variant type: single nucleotide variant.
Coding change: c.258+9A>C on transcript NM_212552.3 (MANE Select); 9 bases into the intron after coding-DNA position 258, A replaced by C.
Molecular consequence: intron variant.
Genome position (GRCh38, 1-based): chr2:74,142,263, T>G on the plus strand (A>C on the coding strand, the complement: BOLA3 is on the minus strand). VCF-style: chr2-74142263-T-G. GRCh37 (hg19) VCF-style: chr2-74369390-T-G.
Other names: c.169+2926A>C (NM_001035505.2).
Identifiers: ClinVar variation 390067 (VCV000390067.20), dbSNP rs201380456, ClinGen allele CA1719458.
Genomic context (GRCh38, chr2:74,142,263, plus strand): 5'-CATCCCTGCTTGGCAGGCCCCTTTGGAGGCTGAAGGCCAGTGGCAAGGGGCACTGTTGCC[T>G]CTACTGACCTGATTAACCATCTGGTGCTGCTGGACAGTTCTCTTCTCCTTAAATTCTTCT-3'

ClinVar aggregate classification (germline): Conflicting classifications of pathogenicity. Review status: criteria provided, conflicting classifications (1 of 4 stars). 5 submissions from 5 submitters: Uncertain significance (1); Benign (1); Likely benign (2). 1 of the submissions does not count toward it. Last evaluated 2025-10-03.

Conditions:
Multiple mitochondrial dysfunctions syndrome 2 (MMDS2). Also called: MULTIPLE MITOCHONDRIAL DYSFUNCTIONS SYNDROME 2 WITH HYPERGLYCINEMIA. Identifiers: Orphanet 401874, MedGen C3280378, MONDO:0013675, OMIM 614299.

Allele frequency attached by ClinVar (database versions not stated): gnomAD exomes 0.00020 and 0.00050; ExAC 0.00051; ESP Exome Variant Server 0.00092; 1000 Genomes Project 30x 0.00125; gnomAD 0.00127 and 0.00133; TOPMed 0.00137; 1000 Genomes Project 0.00140.
gnomAD v4.1: 496 of 1,603,514 alleles (0.031%); highest among the groups gnomAD compares: African/African-American, 0.33%; 1 homozygote.

Submissions (5):

Labcorp Genetics (formerly Invitae), Labcorp
Classification: Benign. Last evaluated: 2025-10-03. Review status: criteria provided, single submitter. Criteria: Invitae Variant Classification Sherloc (09022015). Collection method: clinical testing. Allele origin: germline.

Baylor Genetics
Classification: Uncertain significance for Multiple mitochondrial dysfunctions syndrome 2. Last evaluated: 2019-03-07. Review status: criteria provided, single submitter. Criteria: ACMG Guidelines, 2015. Collection method: clinical testing. Allele origin: maternal. Affected: yes.
Comment: This variant was determined to be of uncertain significance according to ACMG Guidelines, 2015 [PMID:25741868].

Illumina Laboratory Services, Illumina
Classification: Likely benign for Multiple mitochondrial dysfunctions syndrome 2. Last evaluated: 2018-01-13. Review status: criteria provided, single submitter. Criteria: ICSL Variant Classification Criteria 13 December 2019. Collection method: clinical testing. Allele origin: germline.
Comment: This variant was observed in the ICSL laboratory as part of a predisposition screen in an ostensibly healthy population. It had not been previously curated by ICSL or reported in the Human Gene Mutation Database (HGMD: prior to June 1st, 2018), and was therefore a candidate for classification through an automated scoring system. Utilizing variant allele frequency, disease prevalence and penetrance estimates, and inheritance mode, an automated score was calculated to assess if this variant is too frequent to cause the disease. Based on the score and internal cut-off values, a variant classified as likely benign is not then subjected to further curation. The score for this variant resulted in a classification of likely benign for this disease.

GeneDx
Classification: Likely benign. Last evaluated: 2016-11-02. Review status: criteria provided, single submitter. Criteria: GeneDx Variant Classification (06012015). Collection method: clinical testing. Allele origin: germline. Affected: yes.
Comment: This variant is considered likely benign or benign based on one or more of the following criteria: it is a conservative change, it occurs at a poorly conserved position in the protein, it is predicted to be benign by multiple in silico algorithms, and/or has population frequency not consistent with disease.

Mayo Clinic Laboratories, Mayo Clinic
Classification: Likely benign. Last evaluated: 2017-09-15. Review status: no assertion criteria provided. Collection method: clinical testing. Allele origin: unknown. Not counted in ClinVar's aggregate classification.